The following is an entry in ClinVar:

NM_031935.3(HMCN1):c.4009A>T (p.Ile1337Phe)

Gene: HMCN1 (hemicentin 1; plus strand). Cytogenetic location: 1q31.1.
Variant type: single nucleotide variant.
Coding change: c.4009A>T on transcript NM_031935.3 (MANE Select); coding-DNA position 4009, A replaced by T.
Protein change: p.Ile1337Phe; replaces isoleucine 1337 with phenylalanine.
Molecular consequence: missense variant.
Genome position (GRCh38, 1-based): chr1:186,000,179, A>T. VCF-style: chr1-186000179-A-T. GRCh37 (hg19) VCF-style: chr1-185969311-A-T.
Other names: short protein forms I1337F.
Identifiers: ClinVar variation 876516 (VCV000876516.11), dbSNP rs188107197, ClinGen allele CA1291874.

ClinVar aggregate classification (germline): Benign/Likely benign. Review status: criteria provided, multiple submitters, no conflicts (2 of 4 stars). 4 submissions from 4 submitters: Benign (1); Likely benign (2). 1 of the submissions does not count toward it. Last evaluated 2025-12-17.

Conditions:
Age related macular degeneration 1 (ARMD1). Also called: MACULOPATHY, AGE-RELATED, 1. Identifiers: MedGen C1864205, MONDO:0011285, OMIM 603075.
HMCN1-related disorder. Also called: HMCN1-related condition.

Allele frequency attached by ClinVar (database versions not stated): gnomAD 0.00014 and 0.00023; gnomAD exomes 0.00022 and 0.00053; TOPMed 0.00032; ExAC 0.00046; 1000 Genomes Project 30x 0.00094; 1000 Genomes Project 0.00100.
gnomAD v4.1: 357 of 1,613,186 alleles (0.022%); highest among the groups gnomAD compares: East Asian, 0.71%; 3 homozygotes.

Submissions (4):

Labcorp Genetics (formerly Invitae), Labcorp
Classification: Benign. Last evaluated: 2025-12-17. Review status: criteria provided, single submitter. Criteria: Invitae Variant Classification Sherloc (09022015). Collection method: clinical testing. Allele origin: germline.

Genome-Nilou Lab
Classification: Likely benign for Age related macular degeneration 1. Last evaluated: 2023-04-11. Review status: criteria provided, single submitter. Criteria: ACMG Guidelines, 2015. Collection method: clinical testing. Allele origin: germline. Affected: no.

Illumina Laboratory Services, Illumina
Classification: Likely benign for Age related macular degeneration 1. Last evaluated: 2018-01-12. Review status: criteria provided, single submitter. Criteria: ICSL Variant Classification Criteria 13 December 2019. Collection method: clinical testing. Allele origin: germline.
Comment: This variant was observed in the ICSL laboratory as part of a predisposition screen in an ostensibly healthy population. It had not been previously curated by ICSL or reported in the Human Gene Mutation Database (HGMD: prior to June 1st, 2018), and was therefore a candidate for classification through an automated scoring system. Utilizing variant allele frequency, disease prevalence and penetrance estimates, and inheritance mode, an automated score was calculated to assess if this variant is too frequent to cause the disease. Based on the score and internal cut-off values, a variant classified as likely benign is not then subjected to further curation. The score for this variant resulted in a classification of likely benign for this disease.

PreventionGenetics, part of Exact Sciences
Classification: Benign for HMCN1-related condition. Last evaluated: 2019-07-25. Review status: no assertion criteria provided. Collection method: clinical testing. Allele origin: germline. Not counted in ClinVar's aggregate classification.
Comment: This variant is classified as benign based on ACMG/AMP sequence variant interpretation guidelines (Richards et al. 2015 PMID: 25741868, with internal and published modifications).